The following is an entry in ClinVar:

ClinVar aggregate classification (germline): Conflicting classifications of pathogenicity. Review status: criteria provided, conflicting classifications (1 of 4 stars). 6 submissions from 6 submitters: Uncertain significance (4); Likely benign (1). 1 of the submissions does not count toward it. Last evaluated 2026-04-28.

Conditions:
Hereditary cancer-predisposing syndrome. Also called: Neoplastic Syndromes, Hereditary; Hereditary Cancer Syndrome; Tumor predisposition; Hereditary neoplastic syndrome. Identifiers: Orphanet 140162, MedGen C0027672, MeSH D009386, MONDO:0015356.
Hereditary nonpolyposis colorectal neoplasms. Identifiers: MedGen C0009405, MeSH D003123.
Lynch syndrome 5 (LYNCH5). Also called: Hereditary non-polyposis colorectal cancer, type 5; Colorectal cancer, hereditary nonpolyposis, type 5. Identifiers: Orphanet 144, MedGen C1833477, MONDO:0013710, OMIM 614350. Disease mechanism: loss of function.

Allele frequency attached by ClinVar (database versions not stated): gnomAD 0.00001; TOPMed 0.00001; gnomAD exomes below 0.00001.
gnomAD v4.1: 4 of 1,614,010 alleles (0.00025%); highest among the groups gnomAD compares: Non-Finnish European, 0.00034%; no homozygotes.

Submissions (6):

Ambry Genetics
Classification: Uncertain significance for Hereditary cancer-predisposing syndrome. Last evaluated: 2026-04-28. Review status: criteria provided, single submitter. Criteria: Ambry Variant Classification Scheme 2023. Collection method: clinical testing. Allele origin: germline.
Comment: The p.R174K variant (also known as c.521G>A), located in coding exon 3 of the MSH6 gene, results from a G to A substitution at nucleotide position 521. The arginine at codon 174 is replaced by lysine, an amino acid with highly similar properties. This amino acid position is well conserved in available vertebrate species. In addition, this alteration is predicted to be tolerated by in silico analysis. Based on the available evidence, the clinical significance of this variant remains unclear.

Color Diagnostics, LLC DBA Color Health
Classification: Likely benign for Hereditary cancer-predisposing syndrome. Last evaluated: 2025-02-18. Review status: criteria provided, single submitter. Criteria: ACMG Guidelines, 2015. Collection method: clinical testing. Allele origin: germline.

Quest Diagnostics Nichols Institute San Juan Capistrano
Classification: Uncertain significance. Last evaluated: 2024-07-30. Review status: criteria provided, single submitter. Criteria: Quest Diagnostics criteria. Collection method: clinical testing. Allele origin: unknown.
Comment: The MSH6 c.521G>A (p.Arg174Lys) variant has not been reported in individuals with MSH6-related conditions in the published literature. The frequency of this variant in the general population, 0.000013 (2/152146 chromosomes (Genome Aggregation Database)), is uninformative in the assessment of its pathogenicity. Analysis of this variant using bioinformatics tools for the prediction of the effect of amino acid changes on protein structure and function yielded predictions that this variant is benign. Based on the available information, we are unable to determine the clinical significance of this variant.

Labcorp Genetics (formerly Invitae), Labcorp
Classification: Uncertain significance for Hereditary nonpolyposis colorectal neoplasms. Last evaluated: 2024-07-11. Review status: criteria provided, single submitter. Criteria: Invitae Variant Classification Sherloc (09022015). Collection method: clinical testing. Allele origin: germline.
Comment: This sequence change replaces arginine, which is basic and polar, with lysine, which is basic and polar, at codon 174 of the MSH6 protein (p.Arg174Lys). This variant is not present in population databases (gnomAD no frequency). This variant has not been reported in the literature in individuals affected with MSH6-related conditions. ClinVar contains an entry for this variant (Variation ID: 216319). Advanced modeling of protein sequence and biophysical properties (such as structural, functional, and spatial information, amino acid conservation, physicochemical variation, residue mobility, and thermodynamic stability) performed at Invitae indicates that this missense variant is not expected to disrupt MSH6 protein function with a negative predictive value of 95%. In summary, the available evidence is currently insufficient to determine the role of this variant in disease. Therefore, it has been classified as a Variant of Uncertain Significance.

Myriad Genetics, Inc.
Classification: Uncertain significance for Lynch syndrome 5. Last evaluated: 2023-03-28. Review status: criteria provided, single submitter. Criteria: Myriad Autosomal Dominant, Autosomal Recessive and X-Linked Classification Criteria (2023). Collection method: clinical testing. Allele origin: unknown.
Comment: This variant is classified as a variant of uncertain significance as there is insufficient evidence to determine its impact on protein function and/or cancer risk.

Counsyl
Classification: Uncertain significance for Lynch syndrome 5. Last evaluated: 2016-08-31. Review status: no assertion criteria provided. Collection method: clinical testing. Allele origin: unknown. Not counted in ClinVar's aggregate classification.

NM_000179.3(MSH6):c.521G>A (p.Arg174Lys)

Gene: MSH6 (mutS homolog 6; plus strand). Cytogenetic location: 2p16.3.
Variant type: single nucleotide variant.
Coding change: c.521G>A on transcript NM_000179.3 (MANE Select); coding-DNA position 521, G replaced by A.
Protein change: p.Arg174Lys; replaces arginine 174 with lysine.
Molecular consequence: missense variant. On other transcripts: 5 prime UTR variant (1), intron variant (2).
Genome position (GRCh38, 1-based): chr2:47,795,957, G>A. VCF-style: chr2-47795957-G-A. GRCh37 (hg19) VCF-style: chr2-48023096-G-A.
Other names: c.-382G>A (NM_001281494.2); c.-279-2654G>A (NM_001281493.2); c.238-2654G>A (NM_001281492.2); short protein forms R174K.
Identifiers: ClinVar variation 216319 (VCV000216319.25), dbSNP rs863224629, ClinGen allele CA339365.